The following is an entry in ClinVar:

NM_000179.3(MSH6):c.950A>C (p.Lys317Thr)

Gene: MSH6 (mutS homolog 6; plus strand). Cytogenetic location: 2p16.3.
Variant type: single nucleotide variant.
Coding change: c.950A>C on transcript NM_000179.3 (MANE Select); coding-DNA position 950, A replaced by C.
Protein change: p.Lys317Thr; replaces lysine 317 with threonine.
Molecular consequence: missense variant.
Genome position (GRCh38, 1-based): chr2:47,798,933, A>C. VCF-style: chr2-47798933-A-C. GRCh37 (hg19) VCF-style: chr2-48026072-A-C.
Other names: c.560A>C, p.Lys187Thr (NM_001281492.2); c.44A>C, p.Lys15Thr (NM_001281493.2, NM_001281494.2); short protein forms K15T, K187T, K317T.
Identifiers: ClinVar variation 1332141 (VCV001332141.3), dbSNP rs876661282, ClinGen allele CA346740822.

ClinVar aggregate classification (germline): Uncertain significance (1 of 4 stars; one submission).

Conditions:
Hereditary cancer-predisposing syndrome. Also called: Tumor predisposition; Hereditary Cancer Syndrome; Neoplastic Syndromes, Hereditary; Hereditary neoplastic syndrome. Identifiers: Orphanet 140162, MedGen C0027672, MeSH D009386, MONDO:0015356.

Submission:

Color Diagnostics, LLC DBA Color Health
Classification: Uncertain significance for Hereditary cancer-predisposing syndrome. Last evaluated: 2024-03-07. Review status: criteria provided, single submitter. Criteria: ACMG Guidelines, 2015. Collection method: clinical testing. Allele origin: germline.
Comment: This missense variant replaces lysine with threonine at codon 317 of the MSH6 protein. Computational prediction suggests that this variant may not impact protein structure and function (internally defined REVEL score threshold <= 0.5, PMID: 27666373). To our knowledge, functional studies have not been reported for this variant. This variant has not been reported in individuals affected with hereditary cancer in the literature. This variant has not been identified in the general population by the Genome Aggregation Database (gnomAD). The available evidence is insufficient to determine the role of this variant in disease conclusively. Therefore, this variant is classified as a Variant of Uncertain Significance.